The following is an entry in ClinVar:

NM_016256.4(NAGPA):c.1533C>T (p.Asn511=)

Genes: NAGPA (N-acetylglucosamine-1-phosphodiester alpha-N-acetylglucosaminidase; minus strand), LOC125146393 (Sharpr-MPRA regulatory region 11332; plus strand). Cytogenetic location: 16p13.3.
Variant type: single nucleotide variant.
Coding change: c.1533C>T on transcript NM_016256.4 (MANE Select); coding-DNA position 1533, C replaced by T.
Protein change: p.Asn511=; no amino-acid change (asparagine 511 retained).
Molecular consequence: synonymous variant.
Genome position (GRCh38, 1-based): chr16:5,025,493, G>A on the plus strand (C>T on the coding strand, the complement: NAGPA is on the minus strand). VCF-style: chr16-5025493-G-A. GRCh37 (hg19) VCF-style: chr16-5075494-G-A.
Identifiers: ClinVar variation 3058101 (VCV003058101.2), dbSNP rs112032998, ClinGen allele CA7888337.

ClinVar aggregate classification (germline): Likely benign (0 of 4 stars; one submission).

Conditions:
NAGPA-related disorder. Also called: NAGPA-related condition.

Allele frequency attached by ClinVar (database versions not stated): gnomAD exomes 0.00013; ExAC 0.00037; 1000 Genomes Project 30x 0.00094; 1000 Genomes Project 0.00100; ESP Exome Variant Server 0.00115; gnomAD 0.00115; TOPMed 0.00126.
gnomAD v4.1: 367 of 1,612,248 alleles (0.023%); highest among the groups gnomAD compares: African/African-American, 0.4%; 1 homozygote.

Submission:

PreventionGenetics, part of Exact Sciences
Classification: Likely benign for NAGPA-related condition. Last evaluated: 2019-02-22. Review status: no assertion criteria provided. Collection method: clinical testing. Allele origin: germline.
Comment: This variant is classified as likely benign based on ACMG/AMP sequence variant interpretation guidelines (Richards et al. 2015 PMID: 25741868, with internal and published modifications).